The following is an entry in ClinVar:

ClinVar aggregate classification (germline): Uncertain significance (1 of 4 stars; one submission).

gnomAD v4.1: 1 of 1,613,024 alleles (0.000062%); highest among the groups gnomAD compares: Non-Finnish European, 0.000085%; no homozygotes.

Submission:

Ambry Genetics
Classification: Uncertain significance. Last evaluated: 2021-10-16. Review status: criteria provided, single submitter. Criteria: Ambry Variant Classification Scheme 2023. Collection method: clinical testing. Allele origin: germline.
Comment: The p.D1196A variant (also known as c.3587A>C), located in coding exon 5 of the MLH3 gene, results from an A to C substitution at nucleotide position 3587. The aspartic acid at codon 1196 is replaced by alanine, an amino acid with dissimilar properties. This amino acid position is conserved. In addition, this alteration is predicted to be deleterious by in silico analysis. Since supporting evidence is limited at this time, the clinical significance of this alteration remains unclear.

NM_001040108.2(MLH3):c.3587A>C (p.Asp1196Ala)

Gene: MLH3 (mutL homolog 3; minus strand). Cytogenetic location: 14q24.3.
Variant type: single nucleotide variant.
Coding change: c.3587A>C on transcript NM_001040108.2 (MANE Select); coding-DNA position 3587, A replaced by C.
Protein change: p.Asp1196Ala; replaces aspartic acid 1196 with alanine.
Molecular consequence: missense variant.
Genome position (GRCh38, 1-based): chr14:75,038,396, T>G on the plus strand (A>C on the coding strand, the complement: MLH3 is on the minus strand). VCF-style: chr14-75038396-T-G. GRCh37 (hg19) VCF-style: chr14-75505099-T-G.
Other names: c.3587A>C, p.Asp1196Ala (NM_014381.3); short protein forms D1196A.
Identifiers: ClinVar variation 1732950 (VCV001732950.2), dbSNP rs763010714, ClinGen allele CA390427243.